The following is an entry in ClinVar:

NM_016248.4(AKAP11):c.2708G>A (p.Arg903His)

Gene: AKAP11 (A-kinase anchoring protein 11; plus strand). Cytogenetic location: 13q14.11.
Variant type: single nucleotide variant.
Coding change: c.2708G>A on transcript NM_016248.4 (MANE Select); coding-DNA position 2708, G replaced by A.
Protein change: p.Arg903His; replaces arginine 903 with histidine.
Molecular consequence: missense variant.
Genome position (GRCh38, 1-based): chr13:42,301,454, G>A. VCF-style: chr13-42301454-G-A. GRCh37 (hg19) VCF-style: chr13-42875590-G-A.
Other names: short protein forms R903H.
Identifiers: ClinVar variation 3045876 (VCV003045876.3), dbSNP rs61752536, ClinGen allele CA6966500.
Genomic context (GRCh38, chr13:42,301,454, plus strand): 5'-TAGTAAATGAAACTTTAGAGTCAATGACATCATTGGAAGTTACAAAAATGGTTGATGAAC[G>A]TACAGATTATTTAACTAAATCTTTAAAGGAGAAAACCCCTCCATTTTCCCACTGTGATCA-3'
Protein context (NP_057332.1, residues 893-913): SLEVTKMVDE[Arg903His]TDYLTKSLKE

ClinVar aggregate classification (germline): Likely benign. Review status: criteria provided, single submitter (1 of 4 stars). 2 submissions from 2 submitters: Likely benign (1). 1 of the submissions does not count toward it. Last evaluated 2025-09-09.

Conditions:
AKAP11-related disorder. Also called: AKAP11-related condition.

Allele frequency attached by ClinVar (database versions not stated): ExAC 0.00210; 1000 Genomes Project 30x 0.00219; TOPMed 0.00113; ESP Exome Variant Server 0.00161; 1000 Genomes Project 0.00200.
gnomAD v4.1: 2,975 of 1,613,294 alleles (0.18%); highest among the groups gnomAD compares: South Asian, 0.48%; 9 homozygotes.

Submissions (2):

Ambry Genetics
Classification: Likely benign. Last evaluated: 2025-09-09. Review status: criteria provided, single submitter. Criteria: Ambry Variant Classification Scheme 2023. Collection method: clinical testing. Allele origin: germline.

PreventionGenetics, part of Exact Sciences
Classification: Likely benign for AKAP11-related condition. Last evaluated: 2023-07-09. Review status: no assertion criteria provided. Collection method: clinical testing. Allele origin: germline. Not counted in ClinVar's aggregate classification.
Comment: This variant is classified as likely benign based on ACMG/AMP sequence variant interpretation guidelines (Richards et al. 2015 PMID: 25741868, with internal and published modifications).